The following is an entry in ClinVar:

ClinVar aggregate classification (germline): Likely benign (1 of 4 stars; one submission).

Submission:

CeGaT Center for Human Genetics Tuebingen
Classification: Likely benign. Last evaluated: 2025-03-01. Review status: criteria provided, single submitter. Criteria: CeGaT Center For Human Genetics Tuebingen Variant Classification Criteria Version 2. Collection method: clinical testing. Allele origin: germline. Affected: yes. Observed: 1 variant allele.
Comment: DUSP18: BS2

NM_152511.5(DUSP18):c.491_492del (p.Val164fs)

Genes: DUSP18 (dual specificity phosphatase 18; minus strand), SLC35E4 (solute carrier family 35 member E4; plus strand). Cytogenetic location: 22q12.2.
Variant type: Microsatellite.
Coding change: c.491_492del on transcript NM_152511.5 (MANE Select); coding-DNA positions 491 to 492, 2 bases deleted (TG; older notation c.491_492delTG).
Protein change: p.Val164fs; shifts the reading frame from valine 164.
Molecular consequence: frameshift variant. On other transcripts: 3 prime UTR variant (1), intron variant (1).
Genome position (GRCh38, 1-based): chr22:30,663,512-30,663,513, CA deleted on the plus strand (TG on the coding strand, the reverse complement: DUSP18 is on the minus strand); deleting any 2 consecutive bases within chr22:30,663,512-30,663,515 gives the same sequence; the c. name uses the placement nearest the transcript's 3' end. VCF-style (leftmost placement, unchanged base first): chr22-30663511-GCA-G. GRCh37 (hg19) VCF-style: chr22-31059498-GCA-G.
Other names: c.491_492del, p.Val164fs (NM_001304794.2, NM_001304795.2); c.*25TG[1] (NM_001304796.2); c.620-1979_620-1978del (NM_001318371.2); short protein forms V164fs.
Identifiers: ClinVar variation 3777769 (VCV003777769.7).